The following is an entry in ClinVar:

ClinVar aggregate classification (germline): Likely benign (0 of 4 stars; one submission).

Conditions:
GNAO1-related disorder. Also called: GNAO1-related condition; GNAO1-Related Disorders. Identifiers: MedGen CN381308.

Allele frequency attached by ClinVar (database versions not stated): gnomAD exomes below 0.00001; TOPMed 0.00001; gnomAD 0.00002.
gnomAD v4.1: 8 of 1,613,576 alleles (0.0005%); highest among the groups gnomAD compares: Non-Finnish European, 0.00068%; no homozygotes.

Submission:

PreventionGenetics, part of Exact Sciences
Classification: Likely benign for GNAO1-related condition. Last evaluated: 2019-07-16. Review status: no assertion criteria provided. Collection method: clinical testing. Allele origin: germline.
Comment: This variant is classified as likely benign based on ACMG/AMP sequence variant interpretation guidelines (Richards et al. 2015 PMID: 25741868, with internal and published modifications).

NM_020988.3(GNAO1):c.723+6928G>A

Gene: GNAO1 (G protein subunit alpha o1; plus strand). Cytogenetic location: 16q13.
Variant type: single nucleotide variant.
Coding change: c.723+6928G>A on transcript NM_020988.3 (MANE Select); 6928 bases into the intron after coding-DNA position 723, G replaced by A.
Molecular consequence: intron variant. On other transcripts: synonymous variant (1).
Genome position (GRCh38, 1-based): chr16:56,343,788, G>A. VCF-style: chr16-56343788-G-A. GRCh37 (hg19) VCF-style: chr16-56377700-G-A.
Other names: c.903G>A, p.Val301= (NM_138736.3).
Identifiers: ClinVar variation 3050438 (VCV003050438.2), dbSNP rs1228963748, ClinGen allele CA495575688.